The following is an entry in ClinVar:

ClinVar aggregate classification (germline): Pathogenic/Likely pathogenic. Review status: criteria provided, multiple submitters, no conflicts (2 of 4 stars). 9 submissions from 9 submitters: Pathogenic (2); Likely pathogenic (6). 1 of the submissions does not count toward it. Last evaluated 2026-05-27.

Conditions:
Hereditary cancer-predisposing syndrome. Also called: Neoplastic Syndromes, Hereditary; Tumor predisposition; Hereditary Cancer Syndrome; Hereditary neoplastic syndrome. Identifiers: Orphanet 140162, MedGen C0027672, MeSH D009386, MONDO:0015356.
Bloom syndrome (BLM). Also called: Bloom-Torre-Machacek syndrome. Identifiers: Orphanet 125, MedGen C0005859, MONDO:0008876, OMIM 210900.

Submissions (9):

Ambry Genetics
Classification: Likely pathogenic for Hereditary cancer-predisposing syndrome. Last evaluated: 2026-05-27. Review status: criteria provided, single submitter. Criteria: Ambry Variant Classification Scheme 2023. Collection method: clinical testing. Allele origin: germline.
Comment: The c.2193+1_2193+9delGTAAGTTAT variant consists of a deletion of 9 nucleotides between positions c.2193+1 and c.2193+9 and involves the canonical splice donor site after exon 9 (coding exon 8) of the BLM gene. Variants that disrupt the canonical splice site are expected to cause aberrant splicing, resulting in an abnormal protein or a transcript that is subject to nonsense-mediated mRNA decay. Based on data from gnomAD, this allele has an overall frequency of <0.001% (1/251064) total alleles studied. The highest observed frequency was 0.001% (1/113620) of European (non-Finnish) alleles. These nucleotide positions are well conserved in available vertebrate species. In silico splice site analysis predicts that this alteration will weaken the native splice donor site; however, direct evidence is insufficient at this time (Ambry internal data). Based on the available evidence, this alteration is classified as likely pathogenic.

Myriad Genetics, Inc.
Classification: Likely pathogenic for Bloom syndrome. Last evaluated: 2026-05-21. Review status: criteria provided, single submitter. Criteria: Myriad Autosomal Dominant, Autosomal Recessive and X-Linked Classification Criteria (2023). Collection method: clinical testing. Allele origin: unknown.
Comment: NM_000057.3(BLM):c.2193+1_2193+9del9 is a variant in a canonical splice site classified as likely pathogenic in the context of Bloom syndrome. c.2193+1_2193+9del9 has not been observed in cases with relevant disease. Relevant functional assessments of this variant are not available in the literature. c.2193+1_2193+9del9 has been observed in referenced population frequency databases. In summary, NM_000057.3(BLM):c.2193+1_2193+9del9 is a variant in a canonical splice site in a gene where loss of function is a known mechanism of disease and is predicted to disrupt protein function. Please note: this variant was assessed in the context of healthy population screening.

Women's Health and Genetics/Laboratory Corporation of America, LabCorp
Classification: Likely pathogenic for Bloom syndrome. Last evaluated: 2026-04-13. Review status: criteria provided, single submitter. Criteria: LabCorp Variant Classification Summary - May 2015. Collection method: clinical testing. Allele origin: germline.
Comment: Variant summary: BLM c.2193+1_2193+9delGTAAGTTAT is located in a canonical splice-site and is predicted to affect mRNA splicing resulting in a significantly altered protein due to either exon skipping, shortening, or inclusion of intronic material. Variants that disrupt the consensus splice site are a relatively common cause of aberrant splicing and loss of BLM function. Several computational tools predict a significant impact on normal splicing: Three predict the variant abolishes a 5' splicing donor site. Studies show that disruption of this splice site results in skipping of exon 9, resulting in a non-functional protein (internal_data). The variant allele was found at a frequency of 4e-06 in 251064 control chromosomes. To our knowledge, no occurrence of c.2193+1_2193+9delGTAAGTTAT in individuals affected with BLM-related conditions has been reported. ClinVar contains an entry for this variant (Variation ID: 405328). Based on the evidence outlined above, the variant was classified as likely pathogenic.

Labcorp Genetics (formerly Invitae), Labcorp
Classification: Pathogenic for Bloom syndrome. Last evaluated: 2025-11-12. Review status: criteria provided, single submitter. Criteria: Invitae Variant Classification Sherloc (09022015). Collection method: clinical testing. Allele origin: germline.
Comment: This sequence change affects a splice site in intron 9 of the BLM gene. RNA analysis indicates that disruption of this splice site induces altered splicing and may result in an absent or altered protein product. This variant is present in population databases (no rsID available, gnomAD 0.0009%). Disruption of this splice site has been observed in individual(s) with Bloom syndrome (PMID: 17407155). ClinVar contains an entry for this variant (Variation ID: 405328). Studies have shown that disruption of this splice site results in skipping of exon 9, and produces a non-functional protein and/or introduces a premature termination codon (internal data). For these reasons, this variant has been classified as Pathogenic.

Natera, Inc.
Classification: Likely pathogenic for Bloom syndrome. Last evaluated: 2024-08-22. Review status: criteria provided, single submitter. Criteria: Natera Variant Classification Schema (03/2026). Collection method: clinical testing. Allele origin: germline.
Comment: The c.2193+1_2193+9delGTAAGTTAT variant in BLM is a canonical splice donor site variant predicted to affect pre-mRNA splicing, which may result in an abnormal transcript and altered protein product. This variant is expected to result in nonsense mediated decay, truncation, or a dysfunctional protein product. This variant is rare in the general population with a frequency below the threshold expected for the associated phenotype(s). Given the available evidence, this variant is classified as Likely Pathogenic.

Fulgent Genetics
Classification: Likely pathogenic for Bloom syndrome. Last evaluated: 2024-03-28. Review status: criteria provided, single submitter. Criteria: ACMG Guidelines, 2015. Collection method: clinical testing. Allele origin: germline.

Baylor Genetics
Classification: Pathogenic for Bloom syndrome. Last evaluated: 2023-11-15. Review status: criteria provided, single submitter. Criteria: ACMG Guidelines, 2015. Collection method: clinical testing. Allele origin: unknown.

GeneDx
Classification: Likely pathogenic. Last evaluated: 2023-10-08. Review status: criteria provided, single submitter. Criteria: GeneDx Variant Classification Process June 2021. Collection method: clinical testing. Allele origin: germline. Affected: yes.
Comment: Canonical splice site variant predicted to result in a null allele in a gene for which loss of function is a known mechanism of disease; Not observed at significant frequency in large population cohorts (gnomAD); Has not been previously published as pathogenic or benign to our knowledge; This variant is associated with the following publications: (PMID: 17407155)

Counsyl
Classification: Likely pathogenic for Bloom syndrome. Last evaluated: 2017-03-24. Review status: no assertion criteria provided. Collection method: clinical testing. Allele origin: unknown. Not counted in ClinVar's aggregate classification.

Literature cited by the submitters: PubMed 17407155 (cited by Labcorp Genetics (formerly Invitae), Labcorp).

NM_000057.4(BLM):c.2193+1_2193+9del

Gene: BLM (BLM RecQ like helicase; plus strand). Cytogenetic location: 15q26.1.
Variant type: Deletion.
Coding change: c.2193+1_2193+9del on transcript NM_000057.4 (MANE Select); the canonical splice donor site of the intron after coding-DNA position 2193 through 9 bases into the intron after coding-DNA position 2193, 9 bases deleted (GTAAGTTAT; older notation c.2193+1_2193+9delGTAAGTTAT).
Molecular consequence: splice donor variant.
Genome position (GRCh38, 1-based): chr15:90,765,415-90,765,423, GTAAGTTAT deleted; deleting any 9 consecutive bases within chr15:90,765,413-90,765,423 gives the same sequence; the c. name uses the placement nearest the transcript's 3' end. VCF-style (leftmost placement, unchanged base first): chr15-90765412-GATGTAAGTT-G. GRCh37 (hg19) VCF-style: chr15-91308642-GATGTAAGTT-G.
Other names: c.2193+1_2193+9del (LRG_20t1, NM_001287246.2, NM_001287247.2); c.2193+1_2193+9delGTAAGTTAT (NM_000057.2, NM_000057.4, NM_000057.3); c.1068+1_1068+9del (NM_001287248.2).
Identifiers: ClinVar variation 405328 (VCV000405328.25), dbSNP rs1060500652, ClinGen allele CA16614958.